The following is an entry in ClinVar:

NM_014780.5(CUL7):c.3871C>T (p.Gln1291Ter)

Gene: CUL7 (cullin 7; minus strand). Cytogenetic location: 6p21.1.
Variant type: single nucleotide variant.
Coding change: c.3871C>T on transcript NM_014780.5 (MANE Select); coding-DNA position 3871, C replaced by T.
Protein change: p.Gln1291Ter; replaces glutamine 1291 with a stop codon.
Molecular consequence: nonsense.
Genome position (GRCh38, 1-based): chr6:43,040,682, G>A on the plus strand (C>T on the coding strand, the complement: CUL7 is on the minus strand). VCF-style: chr6-43040682-G-A. GRCh37 (hg19) VCF-style: chr6-43008420-G-A.
Other names: c.3967C>T, p.Gln1323Ter (NM_001168370.2, NM_001374872.1); c.3871C>T, p.Gln1291Ter (NM_001374873.1); c.3868C>T, p.Gln1290Ter (NM_001374874.1); short protein forms Q1323*, Q1291*, Q1290*.
Identifiers: ClinVar variation 4734996 (VCV004734996.1).

ClinVar aggregate classification (germline): Pathogenic (1 of 4 stars; one submission).

gnomAD v4.1: 1 of 1,614,190 alleles (0.000062%); highest among the groups gnomAD compares: East Asian, 0.0022%; no homozygotes.

Submission:

Labcorp Genetics (formerly Invitae), Labcorp
Classification: Pathogenic. Last evaluated: 2026-01-09. Review status: criteria provided, single submitter. Criteria: Invitae Variant Classification Sherloc (09022015). Collection method: clinical testing. Allele origin: germline.
Comment: This sequence change creates a premature translational stop signal (p.Gln1291*) in the CUL7 gene. It is expected to result in an absent or disrupted protein product. Loss-of-function variants in CUL7 are known to be pathogenic (PMID: 16142236, 17675530, 19225462). This variant is not present in population databases (gnomAD no frequency). This variant has not been reported in the literature in individuals affected with CUL7-related conditions. Algorithms developed to predict the effect of sequence changes on RNA splicing suggest that this variant may disrupt the consensus splice site. For these reasons, this variant has been classified as Pathogenic.

Literature cited by the submitters: PubMed 16142236; PubMed 17675530; PubMed 19225462.